The following is an entry in ClinVar:

NM_198252.3(GSN):c.1267T>C (p.Tyr423His)

Gene: GSN (gelsolin; plus strand). Cytogenetic location: 9q33.2.
Variant type: single nucleotide variant.
Coding change: c.1267T>C on transcript NM_198252.3 (MANE Select); coding-DNA position 1267, T replaced by C.
Protein change: p.Tyr423His; replaces tyrosine 423 with histidine.
Molecular consequence: missense variant.
Genome position (GRCh38, 1-based): chr9:121,321,343, T>C. VCF-style: chr9-121321343-T-C. GRCh37 (hg19) VCF-style: chr9-124083621-T-C.
Other names: c.1420T>C, p.Tyr474His (NM_000177.5); c.1267T>C, p.Tyr423His (NM_001127662.2, NM_001127664.2, NM_001127665.2 and 10 more transcripts); c.1375T>C, p.Tyr459His (NM_001127663.2); c.1300T>C, p.Tyr434His (NM_001127666.2, NM_001127667.2, NM_001353063.2 and 13 more transcripts); c.1318T>C, p.Tyr440His (NM_001258029.2); c.1291T>C, p.Tyr431His (NM_001258030.2); c.1339T>C, p.Tyr447His (NM_001353076.2); c.613T>C, p.Tyr205His (NM_001353078.2); short protein forms Y205H, Y423H, Y431H, Y434H, Y440H, Y447H, Y459H, Y474H.
Identifiers: ClinVar variation 1722763 (VCV001722763.2), dbSNP rs1564564688, ClinGen allele CA374749888.

ClinVar aggregate classification (germline): Pathogenic (0 of 4 stars; one submission).

Conditions:
Finnish type amyloidosis. Also called: AMYLOID CRANIAL NEUROPATHY WITH LATTICE CORNEAL DYSTROPHY; AMYLOIDOSIS DUE TO MUTANT GELSOLIN; AMYLOIDOSIS, HEREDITARY SYSTEMIC 4, FINNISH TYPE; Lattice corneal dystrophy associated with familial systemic amyloidosis; Meretoja's syndrome; Lattice dystrophy of the cornea with hereditary generalized amyloidosis. Identifiers: Orphanet 85448, MedGen C1622345, MONDO:0007097, OMIM 105120.

Allele frequency attached by ClinVar (database versions not stated): gnomAD exomes below 0.00001.
gnomAD v4.1: 2 of 1,614,038 alleles (0.00012%); highest among the groups gnomAD compares: Admixed American, 0.0017%; no homozygotes.

Submission:

Amyloidosis Center, Boston University School of Medicine
Classification: Pathogenic for Finnish type amyloidosis. Review status: no assertion criteria provided. Collection method: clinical testing. Allele origin: inherited. Inheritance: Codominant. Affected: yes. Observed: 1 heterozygote.
Comment: A direct DNA sequencing of the exon 10 GSN gene showed a heterozygous T to C transition at the first position of the TAC codon 447, c.1420T>C, that code for gelsolin variant protein. No mutation that code for common amyloidogenic gelsolin variant p.D214N (D187N) was noted in the exon 4.